The following is an entry in ClinVar:

NM_032119.4(ADGRV1):c.5082C>G (p.Ile1694Met)

Gene: ADGRV1 (adhesion G protein-coupled receptor V1; plus strand). Cytogenetic location: 5q14.3.
Variant type: single nucleotide variant.
Coding change: c.5082C>G on transcript NM_032119.4 (MANE Select); coding-DNA position 5082, C replaced by G.
Protein change: p.Ile1694Met; replaces isoleucine 1694 with methionine.
Molecular consequence: missense variant. On other transcripts: non-coding transcript variant (1).
Genome position (GRCh38, 1-based): chr5:90,674,206, C>G. VCF-style: chr5-90674206-C-G. GRCh37 (hg19) VCF-style: chr5-89970023-C-G.
Other names: short protein forms I1694M.
Identifiers: ClinVar variation 1933376 (VCV001933376.4), dbSNP rs368373276, ClinGen allele CA122799263.
Genomic context (GRCh38, chr5:90,674,206, plus strand): 5'-GCTAGGCTCAACTCCTACCAGTGGTGCAAGCATAGATCCTGAAAAGGAAACGACTGATAT[C>G]ACCATCAAAGCTAGTGATCATCCATATGGTAACCTGCTCCTTTTGCAAGAAAAATCCTCT-3'
Protein context (NP_115495.3, residues 1684-1704): SIDPEKETTD[Ile1694Met]TIKASDHPYG

ClinVar aggregate classification (germline): Uncertain significance (1 of 4 stars; one submission).

Allele frequency attached by ClinVar (database versions not stated): gnomAD exomes below 0.00001; TOPMed below 0.00001.
gnomAD v4.1: 9 of 1,610,144 alleles (0.00056%); highest among the groups gnomAD compares: African/African-American, 0.004%; no homozygotes.

Submission:

Labcorp Genetics (formerly Invitae), Labcorp
Classification: Uncertain significance. Last evaluated: 2022-11-01. Review status: criteria provided, single submitter. Criteria: Invitae Variant Classification Sherloc (09022015). Collection method: clinical testing. Allele origin: germline.
Comment: This variant has not been reported in the literature in individuals affected with ADGRV1-related conditions. Advanced modeling of protein sequence and biophysical properties (such as structural, functional, and spatial information, amino acid conservation, physicochemical variation, residue mobility, and thermodynamic stability) performed at Invitae indicates that this missense variant is not expected to disrupt ADGRV1 protein function. In summary, the available evidence is currently insufficient to determine the role of this variant in disease. Therefore, it has been classified as a Variant of Uncertain Significance. This variant is not present in population databases (gnomAD no frequency). This sequence change replaces isoleucine, which is neutral and non-polar, with methionine, which is neutral and non-polar, at codon 1694 of the ADGRV1 protein (p.Ile1694Met).